The following is an entry in ClinVar:

ClinVar aggregate classification (germline): Pathogenic (1 of 4 stars; one submission).

Conditions:
Heterotopia, periventricular, X-linked dominant (PVNH1). Also called: PERIVENTRICULAR NODULAR HETEROTOPIA 1; X-linked periventricular heterotopia; PERIVENTRICULAR NODULAR HETEROTOPIA 4; HETEROTOPIA, PERIVENTRICULAR, 1. Identifiers: Orphanet 2149, Orphanet 82004, MedGen C1848213, MONDO:0010233, OMIM 300049.
Oto-palato-digital syndrome, type II (OPD2). Also called: OPD II SYNDROME; FACIOPALATOOSSEOUS SYNDROME; Otopalatodigital Syndrome, Type II; Otopalatodigital Syndrome Type 2 (FLNA-OPD2). Identifiers: Orphanet 669, Orphanet 90652, MedGen C1844696, MONDO:0010571, OMIM 304120.
Melnick-Needles syndrome (MNS). Also called: MELNICK-NEEDLES OSTEODYSPLASTY; OSTEODYSPLASTY OF MELNICK AND NEEDLES; Melnick-Needles Syndrome (FLNA-MNS). Identifiers: Orphanet 2484, MedGen C0025237, MONDO:0010650, OMIM 309350.
Frontometaphyseal dysplasia (FMD1). Identifiers: Orphanet 1826, MedGen C0265293, MONDO:0015942.

Submission:

Labcorp Genetics (formerly Invitae), Labcorp
Classification: Pathogenic for Oto-palato-digital syndrome, type II; Heterotopia, periventricular, X-linked dominant; Frontometaphyseal dysplasia; Melnick-Needles syndrome. Last evaluated: 2020-02-24. Review status: criteria provided, single submitter. Criteria: Invitae Variant Classification Sherloc (09022015). Collection method: clinical testing. Allele origin: germline.
Comment: This sequence change creates a premature translational stop signal (p.Pro271Glnfs*9) in the FLNA gene. It is expected to result in an absent or disrupted protein product. This variant is not present in population databases (ExAC no frequency). This variant has not been reported in the literature in individuals with FLNA-related conditions. Loss-of-function variants in FLNA are known to be pathogenic (PMID: 16684786, 20730588, 26471271). For these reasons, this variant has been classified as Pathogenic.

Literature cited by the submitters: PubMed 16684786; PubMed 20730588; PubMed 26471271.

NM_001110556.2(FLNA):c.812del (p.Pro271fs)

Gene: FLNA (filamin A; minus strand). Cytogenetic location: Xq28.
Variant type: Deletion.
Coding change: c.812del on transcript NM_001110556.2 (MANE Select); coding-DNA position 812, one base deleted (C; older notation c.812delC).
Protein change: p.Pro271fs; shifts the reading frame from proline 271.
Molecular consequence: frameshift variant.
Genome position (GRCh38, 1-based): chrX:154,367,453, G deleted on the plus strand (C on the coding strand, the reverse complement: FLNA is on the minus strand); the first of 2 consecutive G bases (chrX:154,367,453-154,367,454); deleting either gives the same sequence. VCF-style (leftmost placement, unchanged base first): chrX-154367452-TG-T. GRCh37 (hg19) VCF-style: chrX-153595820-TG-T.
Other names: c.812del, p.Pro271fs (NM_001456.4); short protein forms P271fs.
Identifiers: ClinVar variation 1070215 (VCV001070215.7), dbSNP rs2148118964, ClinGen allele CA2499226493.